The following is an entry in ClinVar:

ClinVar aggregate classification (germline): Uncertain significance. Review status: criteria provided, multiple submitters, no conflicts (2 of 4 stars). 2 submissions from 2 submitters: Uncertain significance (2). Last evaluated 2022-08-20.

Conditions:
Frasier syndrome. Identifiers: Orphanet 347, MedGen C0950122, MeSH D052159, MONDO:0007635, OMIM 136680.
Wilms tumor 1 (WT1). Also called: Wilms tumor, somatic. Identifiers: Orphanet 654, MedGen CN033288, MONDO:0008679, OMIM 194070.
11p partial monosomy syndrome (WAGR). Also called: WAGR Complex; WAGR syndrome; WAGR Spectrum Disorder; CHROMOSOME 11p13 DELETION SYNDROME. Identifiers: Orphanet 893, MedGen C0206115, MONDO:0008681, OMIM 194072.
Drash syndrome (DDS). Also called: NEPHROPATHY, WILMS TUMOR, AND GENITAL ANOMALIES; WILMS TUMOR AND PSEUDO- OR TRUE HERMAPHRODITISM. Identifiers: Orphanet 220, MedGen C0950121, MONDO:0008682, OMIM 194080.

gnomAD v4.1: 1 of 1,611,928 alleles (0.000062%); highest among the groups gnomAD compares: South Asian, 0.0011%; no homozygotes.

Submissions (2):

Labcorp Genetics (formerly Invitae), Labcorp
Classification: Uncertain significance for Wilms tumor 1; Drash syndrome; 11p partial monosomy syndrome; Frasier syndrome. Last evaluated: 2022-08-20. Review status: criteria provided, single submitter. Criteria: Invitae Variant Classification Sherloc (09022015). Collection method: clinical testing. Allele origin: germline.
Comment: In summary, the available evidence is currently insufficient to determine the role of this variant in disease. Therefore, it has been classified as a Variant of Uncertain Significance. Algorithms developed to predict the effect of missense changes on protein structure and function are either unavailable or do not agree on the potential impact of this missense change (SIFT: "Deleterious"; PolyPhen-2: "Benign"; Align-GVGD: "Class C15"). ClinVar contains an entry for this variant (Variation ID: 584763). This variant has not been reported in the literature in individuals affected with WT1-related conditions. This variant is not present in population databases (gnomAD no frequency). This sequence change replaces histidine, which is basic and polar, with glutamine, which is neutral and polar, at codon 152 of the WT1 protein (p.His152Gln).

Mendelics
Classification: Uncertain significance for Wilms tumor 1. Last evaluated: 2018-07-02. Review status: criteria provided, single submitter. Criteria: Mendelics Assertion Criteria 2017. Collection method: clinical testing. Allele origin: unknown.

NM_024426.6(WT1):c.471C>A (p.His157Gln)

Genes: WT1 (WT1 transcription factor; minus strand), LOC107982234 (WT1/WT1-AS bi-directional promoter region; plus strand). Cytogenetic location: 11p13.
Variant type: single nucleotide variant.
Coding change: c.471C>A on transcript NM_024426.6 (MANE Select); coding-DNA position 471, C replaced by A.
Protein change: p.His157Gln; replaces histidine 157 with glutamine.
Molecular consequence: missense variant. On other transcripts: non-coding transcript variant (1).
Genome position (GRCh38, 1-based): chr11:32,434,890, G>T on the plus strand (C>A on the coding strand, the complement: WT1 is on the minus strand). VCF-style: chr11-32434890-G-T. GRCh37 (hg19) VCF-style: chr11-32456436-G-T.
Other names: c.471C>A, p.His157Gln (NM_000378.6, NM_024424.5); short protein forms H157Q.
Identifiers: ClinVar variation 584763 (VCV000584763.7), dbSNP rs753238865, ClinGen allele CA379964974.